The following is an entry in ClinVar:

ClinVar aggregate classification (germline): Benign/Likely benign. Review status: criteria provided, single submitter (1 of 4 stars). 3 submissions from 1 submitter: Benign (2); Likely benign (1). Last evaluated 2018-01-13.

Conditions:
Paroxysmal extreme pain disorder (PEXPD). Also called: PAIN, SUBMANDIBULAR, OCULAR, AND RECTAL, WITH FLUSHING; RECTAL PAIN, FAMILIAL; SCN9A Paroxysmal Extreme Pain Disorder (SCN9A-PEPD). Identifiers: Orphanet 46348, MedGen C1833661, MONDO:0008179, OMIM 167400.
Channelopathy-associated congenital insensitivity to pain, autosomal recessive. Also called: Insensitivity to pain, channelopathy-associated; ASYMBOLIA FOR PAIN; CONGENITAL ANALGESIA, AUTOSOMAL RECESSIVE. Identifiers: Orphanet 88642, Orphanet 970, MedGen C1855739, MONDO:0009459, OMIM 243000.
Primary erythromelalgia. Also called: SCN9A Erythromelalgia (SCN9A-EM); primary erythermalgia. Identifiers: Orphanet 306577, Orphanet 90026, MedGen C0014805, MONDO:0007571, OMIM 133020.

Allele frequency attached by ClinVar (database versions not stated): gnomAD 0.00001 and 0.00025; TOPMed 0.00004; 1000 Genomes Project 0.00220; 1000 Genomes Project 30x 0.00234.

Submissions (3):

Illumina Laboratory Services, Illumina
Classification: Benign for Paroxysmal extreme pain disorder. Last evaluated: 2018-01-13. Review status: criteria provided, single submitter. Criteria: ICSL Variant Classification Criteria 13 December 2019. Collection method: clinical testing. Allele origin: germline.
Comment: This variant was observed in the ICSL laboratory as part of a predisposition screen in an ostensibly healthy population. It had not been previously curated by ICSL or reported in the Human Gene Mutation Database (HGMD: prior to June 1st, 2018), and was therefore a candidate for classification through an automated scoring system. Utilizing variant allele frequency, disease prevalence and penetrance estimates, and inheritance mode, an automated score was calculated to assess if this variant is too frequent to cause the disease. Based on the score and internal cut-off values, a variant classified as benign is not then subjected to further curation. The score for this variant resulted in a classification of benign for this disease.

Illumina Laboratory Services, Illumina
Classification: Likely benign for Channelopathy-associated congenital insensitivity to pain, autosomal recessive. Last evaluated: 2018-01-13. Review status: criteria provided, single submitter. Criteria: ICSL Variant Classification Criteria 13 December 2019. Collection method: clinical testing. Allele origin: germline.
Comment: This variant was observed in the ICSL laboratory as part of a predisposition screen in an ostensibly healthy population. It had not been previously curated by ICSL or reported in the Human Gene Mutation Database (HGMD: prior to June 1st, 2018), and was therefore a candidate for classification through an automated scoring system. Utilizing variant allele frequency, disease prevalence and penetrance estimates, and inheritance mode, an automated score was calculated to assess if this variant is too frequent to cause the disease. Based on the score and internal cut-off values, a variant classified as likely benign is not then subjected to further curation. The score for this variant resulted in a classification of likely benign for this disease.

Illumina Laboratory Services, Illumina
Classification: Benign for Primary erythromelalgia. Last evaluated: 2018-01-13. Review status: criteria provided, single submitter. Criteria: ICSL Variant Classification Criteria 13 December 2019. Collection method: clinical testing. Allele origin: germline.
Comment: the same text as in the submission from Illumina Laboratory Services, Illumina above.

NM_001365536.1(SCN9A):c.*2721C>G

Genes: SCN1A-AS1 (SCN1A and SCN9A antisense RNA 1; plus strand), SCN9A (sodium voltage-gated channel alpha subunit 9; minus strand). Cytogenetic location: 2q24.3.
Variant type: single nucleotide variant.
Coding change: c.*2721C>G on transcript NM_001365536.1 (MANE Select); 2721 bases downstream of the stop codon, C replaced by G.
Molecular consequence: 3 prime UTR variant.
Genome position (GRCh38, 1-based): chr2:166,195,951, G>C on the plus strand (C>G on the coding strand, the complement: SCN9A is on the minus strand). VCF-style: chr2-166195951-G-C. GRCh37 (hg19) VCF-style: chr2-167052461-G-C.
Other names: c.*2721C>G (NM_002977.4).
Identifiers: ClinVar variation 331905 (VCV000331905.6), dbSNP rs199595958, ClinGen allele CA10611216.